The following is an entry in ClinVar:

NM_175614.5(NDUFA11):c.244G>A (p.Glu82Lys)

Gene: NDUFA11 (NADH:ubiquinone oxidoreductase subunit A11; minus strand). Cytogenetic location: 19p13.3.
Variant type: single nucleotide variant.
Coding change: c.244G>A on transcript NM_175614.5 (MANE Select); coding-DNA position 244, G replaced by A.
Protein change: p.Glu82Lys; replaces glutamic acid 82 with lysine.
Molecular consequence: missense variant. On other transcripts: non-coding transcript variant (1).
Genome position (GRCh38, 1-based): chr19:5,896,522, C>T on the plus strand (G>A on the coding strand, the complement: NDUFA11 is on the minus strand). VCF-style: chr19-5896522-C-T. GRCh37 (hg19) VCF-style: chr19-5896533-C-T.
Other names: c.244G>A, p.Glu82Lys (NM_001193375.3); short protein forms E82K.
Identifiers: ClinVar variation 2168931 (VCV002168931.4), dbSNP rs865922410, ClinGen allele CA403540070.
Genomic context (GRCh38, chr19:5,896,522, plus strand): 5'-CCAGAGTCAGGCCTCCGGCGCAGCCACCGAGGAAGTAGTTCAGGGGGTCGTCGGGCTTCT[C>T]GCGGACATGGGCGCTGATGCAGGTGGTGAGGCCAAACACGGCCCCGACAGCAGCTGCGGG-3'
Protein context (NP_783313.1, residues 72-92): LTTCISAHVR[Glu82Lys]KPDDPLNYFL

ClinVar aggregate classification (germline): Uncertain significance (1 of 4 stars; one submission).

Allele frequency attached by ClinVar (database versions not stated): gnomAD 0.00001.
gnomAD v4.1: 11 of 1,570,304 alleles (0.0007%); highest among the groups gnomAD compares: East Asian, 0.0047%; no homozygotes.

Submission:

Labcorp Genetics (formerly Invitae), Labcorp
Classification: Uncertain significance. Last evaluated: 2022-07-27. Review status: criteria provided, single submitter. Criteria: Invitae Variant Classification Sherloc (09022015). Collection method: clinical testing. Allele origin: germline.
Comment: This sequence change replaces glutamic acid, which is acidic and polar, with lysine, which is basic and polar, at codon 82 of the NDUFA11 protein (p.Glu82Lys). The frequency data for this variant in the population databases is considered unreliable, as metrics indicate poor data quality at this position in the gnomAD database. This variant has not been reported in the literature in individuals affected with NDUFA11-related conditions. Algorithms developed to predict the effect of missense changes on protein structure and function are either unavailable or do not agree on the potential impact of this missense change (SIFT: "Tolerated"; PolyPhen-2: "Possibly Damaging"; Align-GVGD: "Class C0"). In summary, the available evidence is currently insufficient to determine the role of this variant in disease. Therefore, it has been classified as a Variant of Uncertain Significance.